The following is an entry in ClinVar:

NM_022489.4(INF2):c.1133C>A (p.Thr378Asn)

Gene: INF2 (inverted formin 2; plus strand). Cytogenetic location: 14q32.33.
Variant type: single nucleotide variant.
Coding change: c.1133C>A on transcript NM_022489.4 (MANE Select); coding-DNA position 1133, C replaced by A.
Protein change: p.Thr378Asn; replaces threonine 378 with asparagine.
Molecular consequence: missense variant.
Genome position (GRCh38, 1-based): chr14:104,707,400, C>A. VCF-style: chr14-104707400-C-A. GRCh37 (hg19) VCF-style: chr14-105173737-C-A.
Other names: c.1133C>A, p.Thr378Asn (NM_001031714.4); short protein forms T378N.
Identifiers: ClinVar variation 2015895 (VCV002015895.4), dbSNP rs2541917882, ClinGen allele CA391215924.

ClinVar aggregate classification (germline): Uncertain significance (1 of 4 stars; one submission).

Conditions:
Focal segmental glomerulosclerosis 5 (FSGS5). Identifiers: Orphanet 656, MedGen C2750475, MONDO:0013191, OMIM 613237.
Charcot-Marie-Tooth disease dominant intermediate E. Also called: CHARCOT-MARIE-TOOTH NEUROPATHY WITH FOCAL SEGMENTAL GLOMERULONEPHRITIS. Identifiers: Orphanet 93114, MedGen C4302667, MONDO:0013758, OMIM 614455.

Submission:

Labcorp Genetics (formerly Invitae), Labcorp
Classification: Uncertain significance for Charcot-Marie-Tooth disease dominant intermediate E; Focal segmental glomerulosclerosis 5. Last evaluated: 2022-07-11. Review status: criteria provided, single submitter. Criteria: Invitae Variant Classification Sherloc (09022015). Collection method: clinical testing. Allele origin: germline.
Comment: Algorithms developed to predict the effect of missense changes on protein structure and function are either unavailable or do not agree on the potential impact of this missense change (SIFT: "Tolerated"; PolyPhen-2: "Possibly Damaging"; Align-GVGD: "Class C0"). In summary, the available evidence is currently insufficient to determine the role of this variant in disease. Therefore, it has been classified as a Variant of Uncertain Significance. This variant has not been reported in the literature in individuals affected with INF2-related conditions. This sequence change replaces threonine, which is neutral and polar, with asparagine, which is neutral and polar, at codon 378 of the INF2 protein (p.Thr378Asn). This variant is not present in population databases (gnomAD no frequency).